The following is an entry in ClinVar:

ClinVar aggregate classification (germline): Uncertain significance (1 of 4 stars; one submission).

Conditions:
Thrombomodulin-related bleeding disorder (THPH12). Also called: Thrombophilia due to thrombomodulin defect. Identifiers: Orphanet 436169, MedGen C3280976, MONDO:0013775, OMIM 614486.

Submission:

Genomenon, Inc
Classification: Uncertain significance for Thrombomodulin-related bleeding disorder. Last evaluated: 2025-09-22. Review status: criteria provided, single submitter. Criteria: Genomenon Sequence Variant Interpretation Standards - Updated. Collection method: curation. Allele origin: germline. Affected: no.
Comment: THBD p.Asp479Ala (c.1436A>C) is a missense variant that changes the amino acid at residue 479 from Aspartic acid to Alanine. This variant has been reported in the published literature (PMID:8381415). It is absent or not present at a significant frequency in gnomAD. In conclusion, we classify THBD p.Asp479Ala (c.1436A>C) as a variant of unknown significance.

Literature cited by the submitters: PubMed 8381415.

NM_000361.3(THBD):c.1436A>C (p.Asp479Ala)

Gene: THBD (thrombomodulin; minus strand). Cytogenetic location: 20p11.21.
Variant type: single nucleotide variant.
Coding change: c.1436A>C on transcript NM_000361.3 (MANE Select); coding-DNA position 1436, A replaced by C.
Protein change: p.Asp479Ala; replaces aspartic acid 479 with alanine.
Molecular consequence: missense variant.
Genome position (GRCh38, 1-based): chr20:23,048,069, T>G on the plus strand (A>C on the coding strand, the complement: THBD is on the minus strand). VCF-style: chr20-23048069-T-G. GRCh37 (hg19) VCF-style: chr20-23028706-T-G.
Other names: short protein forms D479A.
Identifiers: ClinVar variation 4280463 (VCV004280463.1).